The following is an entry in ClinVar:

ClinVar aggregate classification (germline): Pathogenic (1 of 4 stars; one submission).

Conditions:
Marfan syndrome (MFS). Also called: FBN1-Related Marfan Syndrome; MARFAN SYNDROME, TYPE I; Marfan syndrome type 1; Marfan's syndrome; Marfan syndrome, classic. Identifiers: Orphanet 284963, Orphanet 558, MedGen C0024796, MONDO:0007947, OMIM 154700.
Familial thoracic aortic aneurysm and aortic dissection (TAAD). Also called: Thoracic aortic aneurysms and dissections. Identifiers: Orphanet 91387, MedGen C4707243, MONDO:0019625.

Submission:

Labcorp Genetics (formerly Invitae), Labcorp
Classification: Pathogenic for Marfan syndrome; Familial thoracic aortic aneurysm and aortic dissection. Last evaluated: 2025-06-15. Review status: criteria provided, single submitter. Criteria: Invitae Variant Classification Sherloc (09022015). Collection method: clinical testing. Allele origin: germline.
Comment: This sequence change affects an acceptor splice site in intron 45 of the FBN1 gene. It is expected to disrupt RNA splicing. Variants that disrupt the donor or acceptor splice site typically lead to a loss of protein function (PMID: 16199547), and loss-of-function variants in FBN1 are known to be pathogenic (PMID: 17657824, 19293843). This variant is not present in population databases (gnomAD no frequency). Disruption of this splice site has been observed in individuals with clinical features of Marfan syndrome (PMID: 12161601, 19293843). Algorithms developed to predict the effect of sequence changes on RNA splicing suggest that this variant may disrupt the consensus splice site. For these reasons, this variant has been classified as Pathogenic.

Literature cited by the submitters: PubMed 16199547; PubMed 17657824; PubMed 19293843; PubMed 12161601.

NM_000138.5(FBN1):c.5546-2A>G

Gene: FBN1 (fibrillin 1; minus strand). Cytogenetic location: 15q21.1.
Variant type: single nucleotide variant.
Coding change: c.5546-2A>G on transcript NM_000138.5 (MANE Select); the canonical splice acceptor site of the intron before coding-DNA position 5546, A replaced by G.
Molecular consequence: splice acceptor variant.
Genome position (GRCh38, 1-based): chr15:48,448,895, T>C on the plus strand (A>G on the coding strand, the complement: FBN1 is on the minus strand). VCF-style: chr15-48448895-T-C. GRCh37 (hg19) VCF-style: chr15-48741092-T-C.
Other names: c.5546-2A>G (NM_001406716.1).
Identifiers: ClinVar variation 4783793 (VCV004783793.1).